The following is an entry in ClinVar:

ClinVar aggregate classification (germline): Uncertain significance (1 of 4 stars; one submission).

Allele frequency attached by ClinVar (database versions not stated): gnomAD exomes below 0.00001.
gnomAD v4.1: 4 of 1,614,204 alleles (0.00025%); highest among the groups gnomAD compares: African/African-American, 0.0027%; no homozygotes.

Submission:

Women's Health and Genetics/Laboratory Corporation of America, LabCorp
Classification: Uncertain significance. Last evaluated: 2024-02-16. Review status: criteria provided, single submitter. Criteria: LabCorp Variant Classification Summary - May 2015. Collection method: clinical testing. Allele origin: germline.
Comment: Variant summary: KMT5B c.2150A>G (p.Lys717Arg) results in a conservative amino acid change in the encoded protein sequence. Three of five in-silico tools predict a benign effect of the variant on protein function. The variant was absent in 251396 control chromosomes. The available data on variant occurrences in the general population are insufficient to allow any conclusion about variant significance. To our knowledge, no occurrence of c.2150A>G in individuals affected with Mental Retardation, Autosomal Dominant and no experimental evidence demonstrating its impact on protein function have been reported. No submitters have cited clinical-significance assessments for this variant to ClinVar. Based on the evidence outlined above, the variant was classified as uncertain significance.

NM_017635.5(KMT5B):c.2150A>G (p.Lys717Arg)

Gene: KMT5B (lysine methyltransferase 5B; minus strand). Cytogenetic location: 11q13.2.
Variant type: single nucleotide variant.
Coding change: c.2150A>G on transcript NM_017635.5 (MANE Select); coding-DNA position 2150, A replaced by G.
Protein change: p.Lys717Arg; replaces lysine 717 with arginine.
Molecular consequence: missense variant.
Genome position (GRCh38, 1-based): chr11:68,158,196, T>C on the plus strand (A>G on the coding strand, the complement: KMT5B is on the minus strand). VCF-style: chr11-68158196-T-C. GRCh37 (hg19) VCF-style: chr11-67925663-T-C.
Other names: c.1634A>G, p.Lys545Arg (NM_001300907.1, NM_001369428.1, NM_001369429.1 and 4 more transcripts); c.1430A>G, p.Lys477Arg (NM_001300908.2); c.2150A>G, p.Lys717Arg (NM_001369426.1); short protein forms K477R, K545R, K717R.
Identifiers: ClinVar variation 3069121 (VCV003069121.2), dbSNP rs2496188169, ClinGen allele CA381589522.